The following is an entry in ClinVar:

ClinVar aggregate classification (germline): Uncertain significance (1 of 4 stars; one submission).

Allele frequency attached by ClinVar (database versions not stated): gnomAD exomes below 0.00001.
gnomAD v4.1: 2 of 1,612,976 alleles (0.00012%); highest among the groups gnomAD compares: Admixed American, 0.0017%; no homozygotes.

Submission:

Labcorp Genetics (formerly Invitae), Labcorp
Classification: Uncertain significance. Last evaluated: 2022-08-07. Review status: criteria provided, single submitter. Criteria: Invitae Variant Classification Sherloc (09022015). Collection method: clinical testing. Allele origin: germline.
Comment: In summary, the available evidence is currently insufficient to determine the role of this variant in disease. Therefore, it has been classified as a Variant of Uncertain Significance. Algorithms developed to predict the effect of missense changes on protein structure and function are either unavailable or do not agree on the potential impact of this missense change (SIFT: "Deleterious"; PolyPhen-2: "Benign"; Align-GVGD: "Class C0"). This variant has not been reported in the literature in individuals affected with WHSC1-related conditions. This variant is present in population databases (no rsID available, gnomAD 0.003%). This sequence change replaces threonine, which is neutral and polar, with isoleucine, which is neutral and non-polar, at codon 1208 of the WHSC1 protein (p.Thr1208Ile).

NM_001042424.3(NSD2):c.3623C>T (p.Thr1208Ile)

Gene: NSD2 (nuclear receptor binding SET domain protein 2; plus strand). Cytogenetic location: 4p16.3.
Variant type: single nucleotide variant.
Coding change: c.3623C>T on transcript NM_001042424.3 (MANE Select); coding-DNA position 3623, C replaced by T.
Protein change: p.Thr1208Ile; replaces threonine 1208 with isoleucine.
Molecular consequence: missense variant.
Genome position (GRCh38, 1-based): chr4:1,976,476, C>T. VCF-style: chr4-1976476-C-T. GRCh37 (hg19) VCF-style: chr4-1978203-C-T.
Other names: c.3623C>T, p.Thr1208Ile (NM_133330.3, NM_133331.3, NM_133335.4); short protein forms T1208I.
Identifiers: ClinVar variation 1916999 (VCV001916999.5), dbSNP rs1264602948, ClinGen allele CA356002206.